The following is an entry in ClinVar:

ClinVar aggregate classification (germline): Uncertain significance (1 of 4 stars; one submission).

Allele frequency attached by ClinVar (database versions not stated): TOPMed below 0.00001; ExAC 0.00002.
gnomAD v4.1: 3 of 1,613,470 alleles (0.00019%); highest among the groups gnomAD compares: Admixed American, 0.005%; no homozygotes.

Submission:

Labcorp Genetics (formerly Invitae), Labcorp
Classification: Uncertain significance. Last evaluated: 2021-12-23. Review status: criteria provided, single submitter. Criteria: Invitae Variant Classification Sherloc (09022015). Collection method: clinical testing. Allele origin: germline.
Comment: This sequence change replaces isoleucine, which is neutral and non-polar, with phenylalanine, which is neutral and non-polar, at codon 451 of the POLR1A protein (p.Ile451Phe). This variant is present in population databases (rs780550096, gnomAD 0.009%). This variant has not been reported in the literature in individuals affected with POLR1A-related conditions. Algorithms developed to predict the effect of missense changes on protein structure and function are either unavailable or do not agree on the potential impact of this missense change (SIFT: "Not Available"; PolyPhen-2: "Possibly Damaging"; Align-GVGD: "Not Available"). In summary, the available evidence is currently insufficient to determine the role of this variant in disease. Therefore, it has been classified as a Variant of Uncertain Significance.

NM_015425.6(POLR1A):c.1351A>T (p.Ile451Phe)

Gene: POLR1A (RNA polymerase I subunit A; minus strand). Cytogenetic location: 2p11.2.
Variant type: single nucleotide variant.
Coding change: c.1351A>T on transcript NM_015425.6 (MANE Select); coding-DNA position 1351, A replaced by T.
Protein change: p.Ile451Phe; replaces isoleucine 451 with phenylalanine.
Molecular consequence: missense variant.
Genome position (GRCh38, 1-based): chr2:86,077,888, T>A on the plus strand (A>T on the coding strand, the complement: POLR1A is on the minus strand). VCF-style: chr2-86077888-T-A. GRCh37 (hg19) VCF-style: chr2-86305011-T-A.
Other names: short protein forms I451F.
Identifiers: ClinVar variation 2170514 (VCV002170514.1), dbSNP rs780550096, ClinGen allele CA1746386.
Genomic context (GRCh38, chr2:86,077,888, plus strand): 5'-CACACACACACACACACACACACACACACACCATGGGAATTCCAATTTCGTTGGTGTTGA[T>A]GTACATGTCTGGGCAGATGACTGAGCGCGCAGCGTAGTCCACTCGCTTTCCCATCATGTG-3'
Protein context (NP_056240.2, residues 441-461): ARSVICPDMY[Ile451Phe]NTNEIGIPMV